The following is an entry in ClinVar:

NM_183235.3(RAB27A):c.*1926T>A

Gene: RAB27A (RAB27A, member RAS oncogene family; minus strand). Cytogenetic location: 15q21.3.
Variant type: single nucleotide variant.
Coding change: c.*1926T>A on transcript NM_183235.3 (MANE Select); 1926 bases downstream of the stop codon, T replaced by A.
Molecular consequence: 3 prime UTR variant.
Genome position (GRCh38, 1-based): chr15:55,203,581, A>T on the plus strand (T>A on the coding strand, the complement: RAB27A is on the minus strand). VCF-style: chr15-55203581-A-T. GRCh37 (hg19) VCF-style: chr15-55495779-A-T.
Other names: c.*1926T>A (NM_004580.5, NM_183234.3, NM_183236.3).
Identifiers: ClinVar variation 316613 (VCV000316613.6), dbSNP rs8028801, ClinGen allele CA10646339.

ClinVar aggregate classification (germline): Benign. Review status: criteria provided, multiple submitters, no conflicts (2 of 4 stars). 2 submissions from 2 submitters: Benign (2). Last evaluated 2018-01-13.

Conditions:
Griscelli syndrome type 2 (GS2). Also called: GRISCELLI SYNDROME WITH HEMOPHAGOCYTIC SYNDROME; PAID SYNDROME; PARTIAL ALBINISM AND IMMUNODEFICIENCY SYNDROME. Identifiers: Orphanet 381, Orphanet 79477, MedGen C1868679, MONDO:0011872, OMIM 607624.

Allele frequency attached by ClinVar (database versions not stated): 1000 Genomes Project 0.26558; gnomAD 0.30727 and 0.33811.

Submissions (2):

Illumina Laboratory Services, Illumina
Classification: Benign for Griscelli syndrome type 2. Last evaluated: 2018-01-13. Review status: criteria provided, single submitter. Criteria: ICSL Variant Classification Criteria 13 December 2019. Collection method: clinical testing. Allele origin: germline.
Comment: This variant was observed in the ICSL laboratory as part of a predisposition screen in an ostensibly healthy population. It had not been previously curated by ICSL or reported in the Human Gene Mutation Database (HGMD: prior to June 1st, 2018), and was therefore a candidate for classification through an automated scoring system. Utilizing variant allele frequency, disease prevalence and penetrance estimates, and inheritance mode, an automated score was calculated to assess if this variant is too frequent to cause the disease. Based on the score and internal cut-off values, a variant classified as benign is not then subjected to further curation. The score for this variant resulted in a classification of benign for this disease.

Breakthrough Genomics
Classification: Benign. Review status: criteria provided, single submitter. Criteria: ACMG Guidelines, 2015. Collection method: not provided. Allele origin: germline. Inheritance: Autosomal recessive inheritance. Affected: yes.